The following is an entry in ClinVar:

ClinVar aggregate classification (germline): Pathogenic (1 of 4 stars; one submission).

Conditions:
Maple syrup urine disease (MSUD). Identifiers: Orphanet 511, MedGen C0024776, MeSH D008375, MONDO:0009563. Disease mechanism: loss of function.

Submission:

Labcorp Genetics (formerly Invitae), Labcorp
Classification: Pathogenic for Maple syrup urine disease. Last evaluated: 2023-06-27. Review status: criteria provided, single submitter. Criteria: Invitae Variant Classification Sherloc (09022015). Collection method: clinical testing. Allele origin: germline.
Comment: This sequence change creates a premature translational stop signal (p.Glu348*) in the BCKDHB gene. While this is not anticipated to result in nonsense mediated decay, it is expected to disrupt the last 45 amino acid(s) of the BCKDHB protein. This variant is not present in population databases (gnomAD no frequency). This variant has not been reported in the literature in individuals affected with BCKDHB-related conditions. Algorithms developed to predict the effect of sequence changes on RNA splicing suggest that this variant may disrupt the consensus splice site. This variant disrupts a region of the BCKDHB protein in which other variant(s) (p.Arg387*) have been determined to be pathogenic (PMID: 30228974; Invitae). This suggests that this is a clinically significant region of the protein, and that variants that disrupt it are likely to be disease-causing. For these reasons, this variant has been classified as Pathogenic.

Literature cited by the submitters: PubMed 30228974.

NM_183050.4(BCKDHB):c.1042G>T (p.Glu348Ter)

Gene: BCKDHB (branched chain keto acid dehydrogenase E1 subunit beta; plus strand). Cytogenetic location: 6q14.1.
Variant type: single nucleotide variant.
Coding change: c.1042G>T on transcript NM_183050.4 (MANE Select); coding-DNA position 1042, G replaced by T.
Protein change: p.Glu348Ter; replaces glutamic acid 348 with a stop codon.
Molecular consequence: nonsense. On other transcripts: non-coding transcript variant (4), intron variant (2), 3 prime UTR variant (1).
Genome position (GRCh38, 1-based): chr6:80,343,667, G>T. VCF-style: chr6-80343667-G-T. GRCh37 (hg19) VCF-style: chr6-81053384-G-T.
Other names: c.1038+70446G>T (NM_001424037.1); c.1039-10586G>T (NM_001424035.1); c.1042G>T, p.Glu348Ter (NM_000056.5, NM_001424036.1); c.832G>T, p.Glu278Ter (NM_001318975.1, NM_001424043.1); c.*48G>T (NM_001424039.1); short protein forms E278*, E348*.
Identifiers: ClinVar variation 2730109 (VCV002730109.3), dbSNP rs989873156, ClinGen allele CA365021353.